The following is an entry in ClinVar:

ClinVar aggregate classification (germline): Uncertain significance. Review status: criteria provided, multiple submitters, no conflicts (2 of 4 stars). 2 submissions from 2 submitters: Uncertain significance (2). Last evaluated 2022-09-14.

Conditions:
Inborn genetic diseases. Identifiers: MedGen C0950123, MeSH D030342.
Hereditary spastic paraplegia 28. Also called: Spastic paraplegia 28, autosomal recessive. Identifiers: Orphanet 101008, MedGen C1836295, MONDO:0012256, OMIM 609340.

Allele frequency attached by ClinVar (database versions not stated): gnomAD 0.00011 and 0.00014; ExAC 0.00019.
gnomAD v4.1: 57 of 1,503,140 alleles (0.0038%); highest among the groups gnomAD compares: South Asian, 0.017%; 1 homozygote.

Submissions (2):

Ambry Genetics
Classification: Uncertain significance for Inborn genetic diseases. Last evaluated: 2022-09-14. Review status: criteria provided, single submitter. Criteria: Ambry Variant Classification Scheme 2023. Collection method: clinical testing. Allele origin: germline.

Foundation for Research in Genetics and Endocrinology, FRIGE's Institute of Human Genetics
Classification: Uncertain significance for Hereditary spastic paraplegia 28. Last evaluated: 2021-09-07. Review status: criteria provided, single submitter. Criteria: ACMG Guidelines, 2015. Collection method: clinical testing. Allele origin: germline. Inheritance: Autosomal recessive inheritance. Affected: yes. Observed: 1 heterozygote.
Comment: A heterozygous missense variation in exon 1 of the DDHD1 gene that results in the amino acid substitution of Proline for Serine at codon 114 was detected. The observed variant c.340T>C (p.Ser114Pro) has not been reported in the 1000 genomes and has a minor allele frequency of 0.01% in the gnomAD database. The in silico prediction of the variant is probably benign by PolyPhen-2 (HumDiv), LRT, SIFT and MutationTaster2. The reference codon is conserved across species. In summary, the variant meets our criteria to be classified as a variant of uncertain significance.

NM_001160148.2(DDHD1):c.340T>C (p.Ser114Pro)

Gene: DDHD1 (DDHD domain containing 1; minus strand). Cytogenetic location: 14q22.1.
Variant type: single nucleotide variant.
Coding change: c.340T>C on transcript NM_001160148.2 (MANE Select); coding-DNA position 340, T replaced by C.
Protein change: p.Ser114Pro; replaces serine 114 with proline.
Molecular consequence: missense variant.
Genome position (GRCh38, 1-based): chr14:53,152,759, A>G on the plus strand (T>C on the coding strand, the complement: DDHD1 is on the minus strand). VCF-style: chr14-53152759-A-G. GRCh37 (hg19) VCF-style: chr14-53619477-A-G.
Other names: p.Ser114Pro; c.340T>C (NM_001160148.1); c.340T>C, p.Ser114Pro (NM_001160147.2, NM_030637.3); short protein forms S114P.
Identifiers: ClinVar variation 1342299 (VCV001342299.5), dbSNP rs756788863, ClinGen allele CA7191521.